The following is an entry in ClinVar:

NM_023110.3(FGFR1):c.1655C>T (p.Thr552Met)

Gene: FGFR1 (fibroblast growth factor receptor 1; minus strand). Cytogenetic location: 8p11.23.
Variant type: single nucleotide variant.
Coding change: c.1655C>T on transcript NM_023110.3 (MANE Select); coding-DNA position 1655, C replaced by T.
Protein change: p.Thr552Met; replaces threonine 552 with methionine.
Molecular consequence: missense variant.
Genome position (GRCh38, 1-based): chr8:38,417,314, G>A on the plus strand (C>T on the coding strand, the complement: FGFR1 is on the minus strand). VCF-style: chr8-38417314-G-A. GRCh37 (hg19) VCF-style: chr8-38274832-G-A.
Other names: c.1649C>T, p.Thr550Met (NM_001174063.2, NM_001174065.2, NM_001354367.2 and 1 more transcripts); c.1625C>T, p.Thr542Met (NM_001174064.2); c.1388C>T, p.Thr463Met (NM_001174066.2, NM_023105.3); c.1748C>T, p.Thr583Met (NM_001174067.2); c.1376C>T, p.Thr459Met (NM_001354368.2); c.1643C>T, p.Thr548Met (NM_001354369.2, NM_001410922.1); c.1382C>T, p.Thr461Met (NM_001354370.2, NM_023106.3); short protein forms T459M, T461M, T463M, T542M, T548M, T550M, T552M, T583M.
Identifiers: ClinVar variation 5037675 (VCV005037675.1).

ClinVar aggregate classification (germline): Uncertain significance (1 of 4 stars; one submission).

Submission:

GeneDx
Classification: Uncertain significance. Last evaluated: 2026-04-17. Review status: criteria provided, single submitter. Criteria: GeneDx Variant Classification Process June 2021. Collection method: clinical testing. Allele origin: germline.
Comment: In silico analysis supports that this missense variant has a deleterious effect on protein structure/function; Has not been previously published as pathogenic or benign to our knowledge